The following is an entry in ClinVar:

NM_152703.5(SAMD9L):c.3001G>C (p.Glu1001Gln)

Gene: SAMD9L (sterile alpha motif domain containing 9 like; minus strand). Cytogenetic location: 7q21.2.
Variant type: single nucleotide variant.
Coding change: c.3001G>C on transcript NM_152703.5 (MANE Select); coding-DNA position 3001, G replaced by C.
Protein change: p.Glu1001Gln; replaces glutamic acid 1001 with glutamine.
Molecular consequence: missense variant.
Genome position (GRCh38, 1-based): chr7:93,132,971, C>G on the plus strand (G>C on the coding strand, the complement: SAMD9L is on the minus strand). VCF-style: chr7-93132971-C-G. GRCh37 (hg19) VCF-style: chr7-92762284-C-G.
Other names: c.3001G>C, p.Glu1001Gln (NM_001303496.3, NM_001303497.3, NM_001303498.3 and 5 more transcripts); short protein forms E1001Q.
Identifiers: ClinVar variation 3949989 (VCV003949989.1).

ClinVar aggregate classification (germline): Uncertain significance (1 of 4 stars; one submission).

Conditions:
Inborn genetic diseases. Identifiers: MedGen C0950123, MeSH D030342.

Submission:

Ambry Genetics
Classification: Uncertain significance for Inborn genetic diseases. Last evaluated: 2025-06-02. Review status: criteria provided, single submitter. Criteria: Ambry Variant Classification Scheme 2023. Collection method: clinical testing. Allele origin: germline.
Comment: The p.E1001Q variant (also known as c.3001G>C), located in coding exon 1 of the SAMD9L gene, results from a G to C substitution at nucleotide position 3001. The glutamic acid at codon 1001 is replaced by glutamine, an amino acid with highly similar properties. This amino acid position is conserved. In addition, this alteration is predicted to be tolerated by in silico analysis. Based on the available evidence, the clinical significance of this variant remains unclear.